The following is an entry in ClinVar:

NM_002860.4(ALDH18A1):c.-29_-29+1dup

Gene: ALDH18A1 (aldehyde dehydrogenase 18 family member A1; minus strand). Cytogenetic location: 10q24.1.
Variant type: Duplication.
Coding change: c.-29_-29+1dup on transcript NM_002860.4 (MANE Select); 29 bases upstream of the start codon through the canonical splice donor site of the intron after 29 bases upstream of the start codon, 2 bases duplicated (GG; older notation c.-29_-29+1dupGG).
Molecular consequence: splice donor variant. On other transcripts: 5 prime UTR variant (5).
Genome position (GRCh38, 1-based): chr10:95,656,596-95,656,597, CC duplicated on the plus strand (GG on the coding strand, the reverse complement: ALDH18A1 is on the minus strand). VCF-style (leftmost placement, unchanged base first): chr10-95656595-A-ACC. GRCh37 (hg19) VCF-style: chr10-97416352-A-ACC.
Other names: c.-180_-179dup (NM_001323413.2, NM_001323415.2); c.-337_-336dup (NM_001323414.2); c.-298_-297dup (NM_001323416.2, NM_001323418.2); c.-195_-195+1dup (NM_001323419.2); c.-147_-147+1dup (NM_001323412.2); c.-29_-29+1dup (NM_001323417.2, NM_001017423.2).
Identifiers: ClinVar variation 422400 (VCV000422400.1), dbSNP rs1064795755, ClinGen allele CA16619087.

ClinVar aggregate classification (germline): Likely benign (1 of 4 stars; one submission).

Allele frequency attached by ClinVar (database versions not stated): gnomAD 0.00001; TOPMed 0.00003.

Submission:

GeneDx
Classification: Likely benign. Last evaluated: 2016-10-11. Review status: criteria provided, single submitter. Criteria: GeneDx Variant Classification (06012015). Collection method: clinical testing. Allele origin: germline. Affected: yes.
Comment: This variant is considered likely benign or benign based on one or more of the following criteria: it is a conservative change, it occurs at a poorly conserved position in the protein, it is predicted to be benign by multiple in silico algorithms, and/or has population frequency not consistent with disease.